The following is an entry in ClinVar:

ClinVar aggregate classification (germline): Likely benign. Review status: criteria provided, single submitter (1 of 4 stars). 2 submissions from 2 submitters: Likely benign (1). 1 of the submissions does not count toward it. Last evaluated 2024-09-27.

Conditions:
REPS1-related disorder. Also called: REPS1-related condition.

Allele frequency attached by ClinVar (database versions not stated): ExAC 0.00010; gnomAD exomes 0.00016 and 0.00036; gnomAD 0.00022; TOPMed 0.00025; ESP Exome Variant Server 0.00040.

Submissions (2):

Labcorp Genetics (formerly Invitae), Labcorp
Classification: Likely benign. Last evaluated: 2024-09-27. Review status: criteria provided, single submitter. Criteria: Invitae Variant Classification Sherloc (09022015). Collection method: clinical testing. Allele origin: germline.

PreventionGenetics, part of Exact Sciences
Classification: Likely benign for REPS1-related condition. Last evaluated: 2019-09-17. Review status: no assertion criteria provided. Collection method: clinical testing. Allele origin: germline. Not counted in ClinVar's aggregate classification.
Comment: This variant is classified as likely benign based on ACMG/AMP sequence variant interpretation guidelines (Richards et al. 2015 PMID: 25741868, with internal and published modifications).

NM_001286611.2(REPS1):c.1786-10_1786-7dup

Gene: REPS1 (RALBP1 associated Eps domain containing 1; minus strand). Cytogenetic location: 6q24.1.
Variant type: Duplication.
Coding change: c.1786-10_1786-7dup on transcript NM_001286611.2 (MANE Select); 10 bases into the intron before coding-DNA position 1786 through 7 bases into the intron before coding-DNA position 1786, 4 bases duplicated (CATT; older notation c.1786-10_1786-7dupCATT).
Molecular consequence: intron variant.
Genome position (GRCh38, 1-based): chr6:138,912,957-138,912,960, AATG duplicated on the plus strand (CATT on the coding strand, the reverse complement: REPS1 is on the minus strand). VCF-style (leftmost placement, unchanged base first): chr6-138912956-C-CAATG. GRCh37 (hg19) VCF-style: chr6-139234093-C-CAATG.
Other names: c.1513-10_1513-7dup (NM_001286612.2); c.1705-10_1705-7dup (NM_001128617.3); c.1783-10_1783-7dup (NM_031922.5); c.1786-10_1786-7dupCATT (NM_001286611.1).
Identifiers: ClinVar variation 1534271 (VCV001534271.10), dbSNP rs775659129, ClinGen allele CA4024042.